The following is an entry in ClinVar:

NM_012238.5(SIRT1):c.403GCG[6] (p.Ala139dup)

Gene: SIRT1 (sirtuin 1; plus strand). Cytogenetic location: 10q21.3.
Variant type: Microsatellite.
Coding change: c.403GCG[6] on transcript NM_012238.5 (MANE Select); six copies in a row of the 3-base unit GCG starting at c.403; the reference has five copies in a row; one copy, 3 bases duplicated.
Protein change: p.Ala139dup; duplicates alanine 139.
Molecular consequence: inframe insertion.
Genome position (GRCh38, 1-based): chr10:67,885,136-67,885,138, GCG duplicated; duplicating any 3 consecutive bases within chr10:67,885,123-67,885,138 gives the same sequence; the position shown is the placement nearest the transcript's 3' end. VCF-style (leftmost placement, unchanged base first): chr10-67885122-A-AGGC. GRCh37 (hg19) VCF-style: chr10-69644880-A-AGGC.
Identifiers: ClinVar variation 1441459 (VCV001441459.8), dbSNP rs36062014, ClinGen allele CA5520991.

ClinVar aggregate classification (germline): Uncertain significance (1 of 4 stars; one submission).

Submission:

Labcorp Genetics (formerly Invitae), Labcorp
Classification: Uncertain significance. Last evaluated: 2026-01-11. Review status: criteria provided, single submitter. Criteria: Invitae Variant Classification Sherloc (09022015). Collection method: clinical testing. Allele origin: germline.
Comment: This variant, c.415_417dup, results in the insertion of 1 amino acid(s) of the SIRT1 protein (p.Ala139dup), but otherwise preserves the integrity of the reading frame. This variant is present in population databases (rs754299932, gnomAD 0.04%). This variant has not been reported in the literature in individuals affected with SIRT1-related conditions. Experimental studies and prediction algorithms are not available or were not evaluated, and the functional significance of this variant is currently unknown. In summary, the available evidence is currently insufficient to determine the role of this variant in disease. Therefore, it has been classified as a Variant of Uncertain Significance.